The following is an entry in ClinVar:

ClinVar aggregate classification (germline): Pathogenic/Likely pathogenic. Review status: criteria provided, multiple submitters, no conflicts (2 of 4 stars). 5 submissions from 5 submitters: Pathogenic (2); Likely pathogenic (2). 1 of the submissions does not count toward it. Last evaluated 2024-03-29.

Conditions:
Neurodevelopmental disorder with microcephaly, hypotonia, and variable brain anomalies (NMIHBA). Identifiers: Orphanet 544469, MedGen C4479566, MONDO:0060490, OMIM 617481.
Abnormal brain morphology. Also called: Abnormality of brain morphology. Identifiers: MedGen C4021085, HP:0012443.

Allele frequency attached by ClinVar (database versions not stated): TOPMed 0.00001; gnomAD 0.00003.
gnomAD v4.1: 39 of 1,613,308 alleles (0.0024%); highest among the groups gnomAD compares: East Asian, 0.0045%; no homozygotes.

Submissions (5):

Genomic Medicine Center of Excellence, King Faisal Specialist Hospital and Research Centre
Classification: Likely pathogenic for Neurodevelopmental disorder with microcephaly, hypotonia, and variable brain anomalies. Last evaluated: 2024-03-29. Review status: criteria provided, single submitter. Criteria: ACMG Guidelines, 2015. Collection method: clinical testing. Allele origin: germline.

GeneDx
Classification: Pathogenic. Last evaluated: 2020-11-09. Review status: criteria provided, single submitter. Criteria: GeneDx Variant Classification Process June 2021. Collection method: clinical testing. Allele origin: germline. Affected: yes.
Comment: Published functional studies demonstrate that R128Q results in loss of PRUNE1 function (Nistala et al., 2020); Not observed at a significant frequency in large population cohorts (Lek et al., 2016); In silico analysis, which includes protein predictors and evolutionary conservation, supports that this variant does not alter protein structure/function; This variant is associated with the following publications: (PMID: 33105479, 26539891, 29372174)

Baylor Genetics
Classification: Pathogenic for Neurodevelopmental disorder with microcephaly, hypotonia, and variable brain anomalies. Last evaluated: 2020-07-28. Review status: criteria provided, single submitter. Criteria: ACMG Guidelines, 2015. Collection method: clinical testing. Allele origin: unknown. Affected: yes.
Comment: This variant was determined to be pathogenic according to ACMG Guidelines, 2015 [PMID:25741868].

Lupski Lab, Baylor-Hopkins CMG, Baylor College of Medicine
Classification: Likely pathogenic for Abnormal brain morphology. Review status: criteria provided, single submitter. Criteria: Karaca et al. (Neuron 2015). Collection method: research. Allele origin: inherited. Inheritance: Autosomal recessive inheritance. Affected: yes.
Comment: There are 3 more families with similar phenotype

OMIM
Classification: Pathogenic for NEURODEVELOPMENTAL DISORDER WITH MICROCEPHALY, HYPOTONIA, AND VARIABLE BRAIN ANOMALIES. Last evaluated: 2022-10-21. Review status: no assertion criteria provided. Collection method: literature only. Allele origin: germline. Not counted in ClinVar's aggregate classification.

Literature cited by the submitters: PubMed 26539891 (cited by OMIM); PubMed 33105479 (cited by OMIM).

NM_021222.3(PRUNE1):c.383G>A (p.Arg128Gln)

Gene: PRUNE1 (prune exopolyphosphatase 1; plus strand). Cytogenetic location: 1q21.3.
Variant type: single nucleotide variant.
Coding change: c.383G>A on transcript NM_021222.3 (MANE Select); coding-DNA position 383, G replaced by A.
Protein change: p.Arg128Gln; replaces arginine 128 with glutamine.
Molecular consequence: missense variant. On other transcripts: 5 prime UTR variant (1), intron variant (1).
Genome position (GRCh38, 1-based): chr1:151,024,658, G>A. VCF-style: chr1-151024658-G-A. GRCh37 (hg19) VCF-style: chr1-150997134-G-A.
Other names: c.-164G>A (NM_001303229.2); c.383G>A, p.Arg128Gln (NM_001303242.2); c.77-2575G>A (NM_001303243.2); short protein forms R128Q.
Identifiers: ClinVar variation 384335 (VCV000384335.7), dbSNP rs767769359, ClinGen allele CA1083769.